The following is an entry in ClinVar:

ClinVar aggregate classification (germline): Benign/Likely benign. Review status: reviewed by expert panel (3 of 4 stars). 25 submissions from 25 submitters: Benign (1); Likely benign (1). 23 of the submissions do not count toward it. Last evaluated 2025-02-10.

Conditions:
Central core myopathy (CMYO1A). Also called: CONGENITAL MYOPATHY 1A, AUTOSOMAL DOMINANT, WITH SUSCEPTIBILITY TO MALIGNANT HYPERTHERMIA; Central core disease; Myopathy, central fibrillar. Identifiers: Orphanet 597, MedGen C5830701, MONDO:0007294, OMIM 117000.
Congenital multicore myopathy with external ophthalmoplegia (CMYO1B). Also called: Minicore myopathy with external ophthalmoplegia; MULTIMINICORE DISEASE WITH EXTERNAL OPHTHALMOPLEGIA; Congenital myopathy 1B, autosomal recessive; Minicore myopathy; MULTICORE MYOPATHY. Identifiers: Orphanet 598, Orphanet 98905, MedGen C1850674, MONDO:0009712, OMIM 255320, HP:0003789.
King Denborough syndrome (KDS). Identifiers: MedGen C1840365, MONDO:0020485, OMIM 619542.
Malignant hyperthermia, susceptibility to, 1 (MHS1). Also called: Anesthesia related hyperthermia; Malignant hyperpyrexia; Fulminating hyperpyrexia; Pharmacogenic myopathy; RYR1-Related Malignant Hyperthermia Susceptibility; Malignant hyperthermia suceptibility 1. Identifiers: Orphanet 423, MedGen C2930980, MONDO:0007783, OMIM 145600.
RYR1-related myopathy. Identifiers: Orphanet 98742, MedGen CN305348, MONDO:0100150.
RYR1-related disorder. Also called: RYR1-related disorders; RYR1-related condition. Identifiers: MedGen CN239331.
Hereditary skeletal muscle disorder. Identifiers: MedGen CN324038, MONDO:0700223.
Inborn genetic diseases. Identifiers: MedGen C0950123, MeSH D030342.
Congenital myopathy with fiber type disproportion. Also called: Congenital fiber-type disproportion myopathy; Congenital fiber-type disproportion. Identifiers: Orphanet 2020, MedGen C0546264, MONDO:0009711. Inheritance: all.
Centronuclear myopathy (CNM). Also called: Myotubular myopathy; Centronuclear myopathy, congenital. Identifiers: Orphanet 595, MedGen C0175709, MONDO:0018947. Inheritance: All.

Allele frequency attached by ClinVar (database versions not stated): ExAC 0.00107; 1000 Genomes Project 30x 0.00062; TOPMed 0.00096; ESP Exome Variant Server 0.00100; gnomAD 0.00104 and 0.00107; gnomAD exomes 0.00158 and 0.00104; 1000 Genomes Project 0.00080.
gnomAD v4.1: 2,438 of 1,614,118 alleles (0.15%); highest among the groups gnomAD compares: Non-Finnish European, 0.18%; 3 homozygotes.

Submissions 1 to 10 of 25:

ClinGen Congenital Myopathies Variant Curation Expert Panel, ClinGen
Classification: Benign for RYR1-related myopathy. Last evaluated: 2025-02-10. Review status: reviewed by expert panel. Criteria: ClinGen CongenMyopathy ACMG Specifications RYR1 AD V2.0.0. Collection method: curation. Allele origin: germline. Inheritance: Autosomal dominant inheritance.
Comment: The c.7025A>G (NM_000540.3(RYR1):c.7025A>G (p.Asn2342Ser)) variant in RYR1 is a missense variant predicted to cause substitution of asparagine by serine at amino acid 2342 (p.Asn2342Ser). The highest MAF in gnomAD v4.1.0 is 0.001818 (2145/1180004 alleles) in the European (non-Finnish) population, which is greater than the ClinGen Congenital Myopathies VCEP threshold (≥0.000697) for BS1, and therefore meets this criterion (BS1). This variant has been observed in 3 homozygous individuals with no features of RYR1-related myopathy, a condition with full penetrance at an early age (BS2). The computational predictor REVEL gives a score of 0.639, which is neither above nor below the thresholds predicting a damaging or benign impact on RYR1 function. The variant is near the end of the exon, but the highest SpliceAI score is 0.04 for donor gain, and the other scores are 0.00, indicating no significant impact to splicing is predicted (no codes met). This variant was found in six probands from five families (two compound heterozygous and three heterozygous cases). However, none of these probands were scored due to the high population allele frequency, and, in specific cases, a potentially causative RYR1 variant on the same allele, a causative variant in another gene, or lack of phenotypic detail/specificity (no codes met; Synnovis Internal Data; PMIDs: 23826317, 31903994, 38982518). In summary, this variant meets the criteria to be classified as benign for RYR1-related myopathy (undetermined mode of inheritance) based on the ACMG/AMP criteria applied, as specified by the ClinGen Congenital Myopathy VCEP: (BS1, BS2; ClinGen Congenital Myopathies VCEP Specifications Version 2.0; 02/10/2025).

ClinGen Malignant Hyperthermia Susceptibility Variant Curation Expert Panel, ClinGen
Classification: Likely benign for Malignant hyperthermia, susceptibility to, 1. Last evaluated: 2021-03-18. Review status: reviewed by expert panel. Criteria: ClinGen MHS ACMG Specifications V1. Collection method: curation. Allele origin: germline. Inheritance: Autosomal dominant inheritance. Study: ClinGen.
Comment: This pathogenicity assessment is relevant only for malignant hyperthermia susceptibility (MHS) inherited in an autosomal dominant pattern. Variants in RYR1 can also cause other myopathies inherited in an autosomal dominant pattern or in an autosomal recessive pattern. Some of these disorders may predispose individuals to malignant hyperthermia. RYR1 variants may also contribute to a malignant hyperthermia reaction in combination with other genetic and non-genetic factors and the clinician needs to consider such factors in making management decisions. This sequence variant predicts a substitution of asparagine with serine at codon 2342 of the RYR1 protein p.(Asn2342Ser). The maximum allele frequency for this variant among the six major gnomAD populations is SAS: 0.00206, which is considered to be more common than expected for a pathogenic variant causing autosomal dominantly inherited MHS, BS1. This variant has been reported in over ten unrelated individuals who have a personal or family history of a malignant hyperthermia reaction, at least nine of these individuals had a positive in vitro contracture test (IVCT) or caffeine halothane contracture test (CHCT) result (when the proband was unavailable for testing a positive diagnostic test result in a mutation positive relative was counted)( PMID:30236257, PMID:23558838, PMID:24433488, personal communication) However, the high MAF in the NFE population in gnomAD precludes the use of PS4. This variant has been shown to segregate with IVCT status in at least three individuals across two families, PP1 (PMID:30236257, personal communication). In other families at least two genotype positive IVCT negative individuals have been reported, BS2 (PMID:15221887, personal communication). HEK293 assay shows increased sensitivity to 4CmC, PS3_Moderate (PMID: 15221887). A functional study published using B-lymphocytes showed increased acidification rates, however, this assay is not considered a standard assay by the ClinGen RYR1 VCEP for MHS (PMID:19191333). This variant resides in a region of RYR1 considered to be a hotspot for pathogenic variants that contribute to MHS, PM1 (PMID: 21118704). A REVEL score of 0.639 supports neither a pathogenic or a benign status. Criteria implemented include: PS3_Moderate, PM1, PP1, BS1, BS2. Based on using Bayes to combine criteria this variant is assessed as Likely Benign, (PMID: 29300386).

CeGaT Center for Human Genetics Tuebingen
Classification: Likely benign. Last evaluated: 2026-08-01. Review status: criteria provided, single submitter. Criteria: CeGaT Center For Human Genetics Tuebingen Variant Classification Criteria Version 2. Collection method: clinical testing. Allele origin: germline. Affected: yes. Observed: 19 variant alleles. Not counted in ClinVar's aggregate classification.
Comment: RYR1: PP3, BS2

Labcorp Genetics (formerly Invitae), Labcorp
Classification: Likely benign for RYR1-related disorder. Last evaluated: 2026-02-02. Review status: criteria provided, single submitter. Criteria: Invitae Variant Classification Sherloc (09022015). Collection method: clinical testing. Allele origin: germline. Not counted in ClinVar's aggregate classification.

PreventionGenetics, part of Exact Sciences
Classification: Likely benign for RYR1-related condition. Last evaluated: 2026-01-12. Review status: criteria provided, single submitter. Criteria: ACMG Guidelines, 2015. Collection method: clinical testing. Allele origin: germline. Not counted in ClinVar's aggregate classification.
Comment: This variant is classified as likely benign based on ACMG/AMP sequence variant interpretation guidelines (Richards et al. 2015 PMID: 25741868, with internal and published modifications).

Ambry Genetics
Classification: Likely benign for Inborn genetic diseases. Last evaluated: 2025-07-24. Review status: criteria provided, single submitter. Criteria: Ambry Variant Classification Scheme 2023. Collection method: clinical testing. Allele origin: germline. Not counted in ClinVar's aggregate classification.

Revvity Omics, Revvity
Classification: Likely benign. Last evaluated: 2025-06-18. Review status: criteria provided, single submitter. Criteria: ACMG Guidelines, 2015. Collection method: clinical testing. Allele origin: germline. Not counted in ClinVar's aggregate classification.

Mayo Clinic Laboratories, Mayo Clinic
Classification: Uncertain significance. Last evaluated: 2024-11-11. Review status: criteria provided, single submitter. Criteria: ACMG Guidelines, 2015. Collection method: clinical testing. Allele origin: germline. Observed: 1 variant allele. Not counted in ClinVar's aggregate classification.
Comment: BS1, PP2, PM1, PS3_moderate

All of Us Research Program, National Institutes of Health
Classification: Likely benign for Malignant hyperthermia, susceptibility to, 1. Last evaluated: 2024-09-23. Review status: criteria provided, single submitter. Criteria: ACMG Guidelines, 2015. Collection method: clinical testing. Allele origin: germline. Inheritance: Autosomal dominant inheritance. Observed: 408 variant alleles, 408 heterozygotes. Not counted in ClinVar's aggregate classification.
Comment: This study involves interpretation of variants in research participants for the purpose of population health screening. Participant phenotype was not available at the time of variant classification. Additional details can be found in publication PMID: 35346344, PMCID: PMC8962531

Blueprint Genetics
Classification: Likely benign. Last evaluated: 2024-09-06. Review status: criteria provided, single submitter. Criteria: ACMG Guidelines, 2015. Collection method: clinical testing. Allele origin: germline. Not counted in ClinVar's aggregate classification.

NM_000540.3(RYR1):c.7025A>G (p.Asn2342Ser)

Gene: RYR1 (ryanodine receptor 1; plus strand). Cytogenetic location: 19q13.2.
Variant type: single nucleotide variant.
Coding change: c.7025A>G on transcript NM_000540.3 (MANE Select); coding-DNA position 7025, A replaced by G.
Protein change: p.Asn2342Ser; replaces asparagine 2342 with serine.
Molecular consequence: missense variant.
Genome position (GRCh38, 1-based): chr19:38,499,241, A>G. VCF-style: chr19-38499241-A-G. GRCh37 (hg19) VCF-style: chr19-38989881-A-G.
Other names: NM_000540.3(RYR1):c.7025A>G; c.7025A>G, p.Asn2342Ser (NM_001042723.2); short protein forms N2342S.
Identifiers: ClinVar variation 133175 (VCV000133175.75), dbSNP rs147213895, ClinGen allele CA024665.